The following is an entry in ClinVar:

NM_006904.7(PRKDC):c.5333T>C (p.Phe1778Ser)

Gene: PRKDC (protein kinase, DNA-activated, catalytic subunit; minus strand). Cytogenetic location: 8q11.21.
Variant type: single nucleotide variant.
Coding change: c.5333T>C on transcript NM_006904.7 (MANE Select); coding-DNA position 5333, T replaced by C.
Protein change: p.Phe1778Ser; replaces phenylalanine 1778 with serine.
Molecular consequence: missense variant.
Genome position (GRCh38, 1-based): chr8:47,877,754, A>G on the plus strand (T>C on the coding strand, the complement: PRKDC is on the minus strand). VCF-style: chr8-47877754-A-G. GRCh37 (hg19) VCF-style: chr8-48790315-A-G.
Other names: c.5333T>C, p.Phe1778Ser (NM_001081640.2); short protein forms F1778S.
Identifiers: ClinVar variation 1746890 (VCV001746890.2), dbSNP rs2551872030, ClinGen allele CA371137607.

ClinVar aggregate classification (germline): Uncertain significance (1 of 4 stars; one submission).

Submission:

Ambry Genetics
Classification: Uncertain significance. Last evaluated: 2021-11-22. Review status: criteria provided, single submitter. Criteria: Ambry Variant Classification Scheme 2023. Collection method: clinical testing. Allele origin: germline.
Comment: The p.F1778S variant (also known as c.5333T>C), located in coding exon 40 of the PRKDC gene, results from a T to C substitution at nucleotide position 5333. The phenylalanine at codon 1778 is replaced by serine, an amino acid with highly dissimilar properties. This amino acid position is conserved. Since supporting evidence is limited at this time, the clinical significance of this alteration remains unclear.